The following is an entry in ClinVar:

NM_001370348.2(PHF3):c.5772T>C (p.Tyr1924=)

Gene: PHF3 (PHD finger protein 3; plus strand). Cytogenetic location: 6q12.
Variant type: single nucleotide variant.
Coding change: c.5772T>C on transcript NM_001370348.2 (MANE Select); coding-DNA position 5772, T replaced by C.
Protein change: p.Tyr1924=; no amino-acid change (tyrosine 1924 retained).
Molecular consequence: synonymous variant.
Genome position (GRCh38, 1-based): chr6:63,713,360, T>C. VCF-style: chr6-63713360-T-C. GRCh37 (hg19) VCF-style: chr6-64423256-T-C.
Other names: c.5508T>C, p.Tyr1836= (NM_001290259.2, NM_001370349.2); c.3579T>C, p.Tyr1193= (NM_001370350.2); c.5772T>C, p.Tyr1924= (NM_015153.4).
Identifiers: ClinVar variation 3034476 (VCV003034476.2), dbSNP rs182196219, ClinGen allele CA3876587.

ClinVar aggregate classification (germline): Likely benign (0 of 4 stars; one submission).

Conditions:
PHF3-related disorder. Also called: PHF3-related condition.

Allele frequency attached by ClinVar (database versions not stated): TOPMed 0.00003; gnomAD exomes 0.00004; gnomAD 0.00007; ExAC 0.00020; 1000 Genomes Project 30x 0.00078; 1000 Genomes Project 0.00100.
gnomAD v4.1: 66 of 1,613,988 alleles (0.0041%); highest among the groups gnomAD compares: East Asian, 0.13%; no homozygotes.

Submission:

PreventionGenetics, part of Exact Sciences
Classification: Likely benign for PHF3-related condition. Last evaluated: 2019-06-18. Review status: no assertion criteria provided. Collection method: clinical testing. Allele origin: germline.
Comment: This variant is classified as likely benign based on ACMG/AMP sequence variant interpretation guidelines (Richards et al. 2015 PMID: 25741868, with internal and published modifications).